The following is an entry in ClinVar:

NM_022436.3(ABCG5):c.1118+1G>C

Genes: ABCG5 (ATP binding cassette subfamily G member 5; minus strand), DYNC2LI1 (dynein cytoplasmic 2 light intermediate chain 1; plus strand). Cytogenetic location: 2p21.
Variant type: single nucleotide variant.
Coding change: c.1118+1G>C on transcript NM_022436.3 (MANE Select); the canonical splice donor site of the intron after coding-DNA position 1118, G replaced by C.
Molecular consequence: splice donor variant. On other transcripts: intron variant (2).
Genome position (GRCh38, 1-based): chr2:43,824,218, C>G on the plus strand (G>C on the coding strand, the complement: ABCG5 is on the minus strand). VCF-style: chr2-43824218-C-G. GRCh37 (hg19) VCF-style: chr2-44051357-C-G.
Other names: c.*16-3168C>G (NM_001348913.2, NM_001348912.2).
Identifiers: ClinVar variation 4778893 (VCV004778893.1).

ClinVar aggregate classification (germline): Likely pathogenic (1 of 4 stars; one submission).

Conditions:
Sitosterolemia (STSL). Also called: PHYTOSTEROLEMIA. Identifiers: Orphanet 2882, MedGen C0342907, MONDO:0008863.

gnomAD v4.1: 2 of 1,614,156 alleles (0.00012%); highest among the groups gnomAD compares: South Asian, 0.0011%; no homozygotes.

Submission:

Labcorp Genetics (formerly Invitae), Labcorp
Classification: Likely pathogenic for Sitosterolemia. Last evaluated: 2026-01-24. Review status: criteria provided, single submitter. Criteria: Invitae Variant Classification Sherloc (09022015). Collection method: clinical testing. Allele origin: germline.
Comment: This sequence change affects a donor splice site in intron 8 of the ABCG5 gene. It is expected to disrupt RNA splicing. Variants that disrupt the donor or acceptor splice site typically lead to a loss of protein function (PMID: 16199547), and loss-of-function variants in ABCG5 are known to be pathogenic (PMID: 11138003, 25665839). This variant is not present in population databases (gnomAD no frequency). This variant has not been reported in the literature in individuals affected with ABCG5-related conditions. Algorithms developed to predict the effect of sequence changes on RNA splicing suggest that this variant may disrupt the consensus splice site. In summary, the currently available evidence indicates that the variant is pathogenic, but additional data are needed to prove that conclusively. Therefore, this variant has been classified as Likely Pathogenic.

Literature cited by the submitters: PubMed 16199547; PubMed 11138003; PubMed 25665839.